The following is an entry in ClinVar:

ClinVar aggregate classification (germline): Uncertain significance. Review status: criteria provided, multiple submitters, no conflicts (2 of 4 stars). 2 submissions from 2 submitters: Uncertain significance (2). Last evaluated 2024-09-03.

Conditions:
Dystonic disorder. Also called: Dystonia. Identifiers: MedGen C0013421, MONDO:0003441, HP:0001332.
Inborn genetic diseases. Identifiers: MedGen C0950123, MeSH D030342.

Allele frequency attached by ClinVar (database versions not stated): gnomAD 0.00005.

Submissions (2):

Ambry Genetics
Classification: Uncertain significance for Inborn genetic diseases. Last evaluated: 2024-09-03. Review status: criteria provided, single submitter. Criteria: Ambry Variant Classification Scheme 2023. Collection method: clinical testing. Allele origin: germline.

Labcorp Genetics (formerly Invitae), Labcorp
Classification: Uncertain significance for Dystonic disorder. Last evaluated: 2022-10-10. Review status: criteria provided, single submitter. Criteria: Invitae Variant Classification Sherloc (09022015). Collection method: clinical testing. Allele origin: germline.
Comment: In summary, the available evidence is currently insufficient to determine the role of this variant in disease. Therefore, it has been classified as a Variant of Uncertain Significance. Algorithms developed to predict the effect of missense changes on protein structure and function are either unavailable or do not agree on the potential impact of this missense change (SIFT: "Tolerated"; PolyPhen-2: "Not Available"; Align-GVGD: "Class C0"). This variant has not been reported in the literature in individuals affected with TOR1A-related conditions. The frequency data for this variant in the population databases is considered unreliable, as metrics indicate poor data quality at this position in the gnomAD database. This sequence change replaces arginine, which is basic and polar, with proline, which is neutral and non-polar, at codon 5 of the TOR1A protein (p.Arg5Pro).

NM_000113.3(TOR1A):c.14G>C (p.Arg5Pro)

Genes: TOR1A (torsin family 1 member A; minus strand), LOC130002772 (ATAC-STARR-seq lymphoblastoid active region 29122; plus strand). Cytogenetic location: 9q34.11.
Variant type: single nucleotide variant.
Coding change: c.14G>C on transcript NM_000113.3 (MANE Select); coding-DNA position 14, G replaced by C.
Protein change: p.Arg5Pro; replaces arginine 5 with proline.
Molecular consequence: missense variant.
Genome position (GRCh38, 1-based): chr9:129,824,072, C>G on the plus strand (G>C on the coding strand, the complement: TOR1A is on the minus strand). VCF-style: chr9-129824072-C-G. GRCh37 (hg19) VCF-style: chr9-132586351-C-G.
Other names: c.14G>C (NM_000113.2); short protein forms R5P.
Identifiers: ClinVar variation 2157255 (VCV002157255.5), dbSNP rs982669453, ClinGen allele CA200496787.
Genomic context (GRCh38, chr9:129,824,072, plus strand): 5'-CTGATGGGCTCCACCGCCTGCACCACGGACGGCGCCAGCAGCAGCAGGCCCAGCACGGCC[C>G]GGCCCAGCTTCATGCCCGGACCCGCGCCACCCTGCTTGTTCTCGCGCCGACCGCGAACCG-3'
Protein context (NP_000104.1, residues 1-15): MKLG[Arg5Pro]AVLGLLLLAP